The following is an entry in ClinVar:

ClinVar aggregate classification (germline): Uncertain significance (1 of 4 stars; one submission).

Conditions:
Deficiency of alpha-mannosidase (MANSA). Also called: LYSOSOMAL ALPHA-D-MANNOSIDASE DEFICIENCY; Alpha-Mannosidosis; Mannosidosis, alpha-, types I and II. Identifiers: Orphanet 61, MedGen C0024748, MONDO:0009561, OMIM 248500.

Submission:

Labcorp Genetics (formerly Invitae), Labcorp
Classification: Uncertain significance for Deficiency of alpha-mannosidase. Last evaluated: 2022-04-01. Review status: criteria provided, single submitter. Criteria: Invitae Variant Classification Sherloc (09022015). Collection method: clinical testing. Allele origin: germline.
Comment: In summary, the available evidence is currently insufficient to determine the role of this variant in disease. Therefore, it has been classified as a Variant of Uncertain Significance. Algorithms developed to predict the effect of missense changes on protein structure and function output the following: SIFT: "Tolerated"; PolyPhen-2: "Benign"; Align-GVGD: "Class C0". The isoleucine amino acid residue is found in multiple mammalian species, which suggests that this missense change does not adversely affect protein function. This variant has not been reported in the literature in individuals affected with MAN2B1-related conditions. This variant is not present in population databases (gnomAD no frequency). This sequence change replaces threonine, which is neutral and polar, with isoleucine, which is neutral and non-polar, at codon 544 of the MAN2B1 protein (p.Thr544Ile).

NM_000528.4(MAN2B1):c.1631C>T (p.Thr544Ile)

Gene: MAN2B1 (mannosidase alpha class 2B member 1; minus strand). Cytogenetic location: 19p13.13.
Variant type: single nucleotide variant.
Coding change: c.1631C>T on transcript NM_000528.4 (MANE Select); coding-DNA position 1631, C replaced by T.
Protein change: p.Thr544Ile; replaces threonine 544 with isoleucine.
Molecular consequence: missense variant.
Genome position (GRCh38, 1-based): chr19:12,656,584, G>A on the plus strand (C>T on the coding strand, the complement: MAN2B1 is on the minus strand). VCF-style: chr19-12656584-G-A. GRCh37 (hg19) VCF-style: chr19-12767398-G-A.
Other names: c.1628C>T, p.Thr543Ile (NM_001173498.2); short protein forms T544I, T543I.
Identifiers: ClinVar variation 2185454 (VCV002185454.4), dbSNP rs1599349315, ClinGen allele CA404245534.